The following is an entry in ClinVar:

NM_058004.4(PI4KA):c.1863A>G (p.Gly621=)

Gene: PI4KA (phosphatidylinositol 4-kinase alpha; minus strand). Cytogenetic location: 22q11.21.
Variant type: single nucleotide variant.
Coding change: c.1863A>G on transcript NM_058004.4 (MANE Select); coding-DNA position 1863, A replaced by G.
Protein change: p.Gly621=; no amino-acid change (glycine 621 retained).
Molecular consequence: synonymous variant.
Genome position (GRCh38, 1-based): chr22:20,799,234, T>C on the plus strand (A>G on the coding strand, the complement: PI4KA is on the minus strand). VCF-style: chr22-20799234-T-C. GRCh37 (hg19) VCF-style: chr22-21153522-T-C.
Other names: c.1863A>G, p.Gly621= (NM_001362862.2); c.1797A>G, p.Gly599= (NM_001362863.2).
Identifiers: ClinVar variation 4977888 (VCV004977888.1).
Genomic context (GRCh38, chr22:20,799,234, plus strand): 5'-TAGGATCTGCAGAATGGGCTCCATGACCTTCGGGGTGTCCCTCAAGGCCACCGCAATGTG[T>C]CCCAAGGCTCGGATTGTGTGGTCGGGAATCAAGTGAGCGTCCCTACAGAAGGAAGAACAG-3'
Protein context (NP_477352.3, residues 611-631): LIPDHTIRAL[Gly621=]HIAVALRDTP

ClinVar aggregate classification (germline): Likely benign (1 of 4 stars; one submission).

Conditions:
PI4KA-related disorder. Also called: PI4KA-related condition; PI4KA-related disorders. Identifiers: MedGen CN378147, MONDO:1040012.

gnomAD v4.1: 4 of 1,551,014 alleles (0.00026%); highest among the groups gnomAD compares: Non-Finnish European, 0.00035%; no homozygotes.

Submission:

PreventionGenetics, part of Exact Sciences
Classification: Likely benign for PI4KA-related condition. Last evaluated: 2025-10-08. Review status: criteria provided, single submitter. Criteria: ACMG Guidelines, 2015. Collection method: clinical testing. Allele origin: germline.
Comment: This variant is classified as likely benign based on ACMG/AMP sequence variant interpretation guidelines (Richards et al. 2015 PMID: 25741868, with internal and published modifications).